The following is an entry in ClinVar:

ClinVar aggregate classification (germline): Likely pathogenic. Review status: criteria provided, single submitter (1 of 4 stars). 2 submissions from 2 submitters: Likely pathogenic (1). 1 of the submissions does not count toward it. Last evaluated 2022-09-02.

Conditions:
Cholestasis, intrahepatic, of pregnancy, 3. Identifiers: Orphanet 69665, MedGen C3554241, MONDO:0013995, OMIM 614972.
Progressive familial intrahepatic cholestasis (PFIC). Also called: Progressive intrahepatic cholestasis; Progressive family intrahepatic cholestasis. Identifiers: Orphanet 172, MedGen C0268312, MONDO:0015762.

Submissions (2):

Women's Health and Genetics/Laboratory Corporation of America, LabCorp
Classification: Likely pathogenic for Progressive familial intrahepatic cholestasis. Last evaluated: 2022-09-02. Review status: criteria provided, single submitter. Criteria: LabCorp Variant Classification Summary - May 2015. Collection method: clinical testing. Allele origin: germline.
Comment: Variant summary: ABCB11 c.2075+2T>C is located in a canonical splice-site and is predicted to affect mRNA splicing, resulting in a significantly altered protein due to either exon skipping, shortening, or inclusion of intronic material. Several computational tools predict a significant impact on normal splicing: Three predict the variant abolishes a canonical 5' splicing donor site and one predicts the variant has no significant impact on splicing. However, these predictions have yet to be confirmed by functional studies. The variant was absent in 244340 control chromosomes (gnomAD). To our knowledge, no occurrence of c.2075+2T>C in individuals affected with Familial Intrahepatic Cholestasis and no experimental evidence demonstrating an impact on protein function have been reported. No clinical diagnostic laboratories have submitted clinical-significance assessments for this variant to ClinVar after 2014. Based on the evidence outlined above, the variant was classified as likely pathogenic.

NIHR Bioresource Rare Diseases, University of Cambridge
Classification: Likely pathogenic for Cholestasis, intrahepatic, of pregnancy, 3. Review status: no assertion criteria provided. Collection method: research. Allele origin: unknown. Affected: yes. Observed: 1 variant allele. Not counted in ClinVar's aggregate classification.

Literature cited by the submitters: PubMed 32581362 (cited by Women's Health and Genetics/Laboratory Corporation of America, LabCorp and NIHR Bioresource Rare Diseases, University of Cambridge).

NM_003742.4(ABCB11):c.2075+2T>C

Gene: ABCB11 (ATP binding cassette subfamily B member 11; minus strand). Cytogenetic location: 2q31.1.
Variant type: single nucleotide variant.
Coding change: c.2075+2T>C on transcript NM_003742.4 (MANE Select); the canonical splice donor site of the intron after coding-DNA position 2075, T replaced by C.
Molecular consequence: splice donor variant.
Genome position (GRCh38, 1-based): chr2:168,968,425, A>G on the plus strand (T>C on the coding strand, the complement: ABCB11 is on the minus strand). VCF-style: chr2-168968425-A-G. GRCh37 (hg19) VCF-style: chr2-169824935-A-G.
Identifiers: ClinVar variation 812748 (VCV000812748.3), dbSNP rs1574445178, ClinGen allele CA349111172.
Genomic context (GRCh38, chr2:168,968,425, plus strand): 5'-ACTACAGAGGACTCCTCAGAATATTTGGAAAGCTTGTAATCTGCCCCATGGCTTGAGCTT[A>G]CCTTAAACTATCCTGGTAGCTCCCTCTGCTAAAGGTCCTCGCAAGCATGTCATCTTCAGT-3'